The following is an entry in ClinVar:

NM_004104.5(FASN):c.1682T>C (p.Ile561Thr)

Gene: FASN (fatty acid synthase; minus strand). Cytogenetic location: 17q25.3.
Variant type: single nucleotide variant.
Coding change: c.1682T>C on transcript NM_004104.5 (MANE Select); coding-DNA position 1682, T replaced by C.
Protein change: p.Ile561Thr; replaces isoleucine 561 with threonine.
Molecular consequence: missense variant.
Genome position (GRCh38, 1-based): chr17:82,090,563, A>G on the plus strand (T>C on the coding strand, the complement: FASN is on the minus strand). VCF-style: chr17-82090563-A-G. GRCh37 (hg19) VCF-style: chr17-80048439-A-G.
Other names: c.1682T>C (NM_004104.4); short protein forms I561T.
Identifiers: ClinVar variation 1019868 (VCV001019868.9), dbSNP rs148219546, ClinGen allele CA8853054.
Genomic context (GRCh38, chr17:82,090,563, plus strand): 5'-GAGTGGCCGACGATGCCATCTGGCCTCAGCCCCATGCAGCTCAGCAGGTCTATGAGGCCT[A>G]TCTGGGGTGGGAACAGGACACTCAGGTTGCAACCTCCAGCAGGTGCAGCTGTTGGGGGCG-3'
Protein context (NP_004095.4, residues 551-571): HSFVSLTAIQ[Ile561Thr]GLIDLLSCMG

ClinVar aggregate classification (germline): Uncertain significance. Review status: criteria provided, multiple submitters, no conflicts (2 of 4 stars). 2 submissions from 2 submitters: Uncertain significance (2). Last evaluated 2022-11-22.

Conditions:
Epileptic encephalopathy. Identifiers: MedGen C0543888, HP:0200134.

Allele frequency attached by ClinVar (database versions not stated): gnomAD exomes below 0.00001 and 0.00001; ExAC 0.00001; gnomAD 0.00003 and 0.00004; TOPMed 0.00003; ESP Exome Variant Server 0.00015.
gnomAD v4.1: 18 of 1,610,236 alleles (0.0011%); highest among the groups gnomAD compares: Middle Eastern, 0.05%; 1 homozygote.

Submissions (2):

Ambry Genetics
Classification: Uncertain significance. Last evaluated: 2022-11-22. Review status: criteria provided, single submitter. Criteria: Ambry Variant Classification Scheme 2023. Collection method: clinical testing. Allele origin: germline.

Labcorp Genetics (formerly Invitae), Labcorp
Classification: Uncertain significance for Epileptic encephalopathy. Last evaluated: 2022-07-05. Review status: criteria provided, single submitter. Criteria: Invitae Variant Classification Sherloc (09022015). Collection method: clinical testing. Allele origin: germline.
Comment: In summary, the available evidence is currently insufficient to determine the role of this variant in disease. Therefore, it has been classified as a Variant of Uncertain Significance. Algorithms developed to predict the effect of sequence changes on RNA splicing suggest that this variant may create or strengthen a splice site. Algorithms developed to predict the effect of missense changes on protein structure and function are either unavailable or do not agree on the potential impact of this missense change (SIFT: "Deleterious"; PolyPhen-2: "Probably Damaging"; Align-GVGD: "Class C0"). ClinVar contains an entry for this variant (Variation ID: 1019868). This variant has not been reported in the literature in individuals affected with FASN-related conditions. The frequency data for this variant in the population databases is considered unreliable, as metrics indicate poor data quality at this position in the gnomAD database. This sequence change replaces isoleucine, which is neutral and non-polar, with threonine, which is neutral and polar, at codon 561 of the FASN protein (p.Ile561Thr).